The following is an entry in ClinVar:

ClinVar aggregate classification (germline): Uncertain significance. Review status: criteria provided, multiple submitters, no conflicts (2 of 4 stars). 2 submissions from 2 submitters: Uncertain significance (2). Last evaluated 2025-08-22.

Conditions:
POLD1-related polyposis and colorectal cancer syndrome (CRCS10). Also called: Colorectal cancer, susceptibility to, 10; Colorectal cancer 10; COLORECTAL CANCER, SUSCEPTIBILITY TO, ON CHROMOSOME 19q. Identifiers: Orphanet 220460, MedGen C2675481, MONDO:0012953, OMIM 612591.
Hereditary cancer-predisposing syndrome. Also called: Tumor predisposition; Hereditary Cancer Syndrome; Hereditary neoplastic syndrome; Neoplastic Syndromes, Hereditary. Identifiers: Orphanet 140162, MedGen C0027672, MeSH D009386, MONDO:0015356.

Submissions (2):

Ambry Genetics
Classification: Uncertain significance for Hereditary cancer-predisposing syndrome. Last evaluated: 2025-08-22. Review status: criteria provided, single submitter. Criteria: Ambry Variant Classification Scheme 2023. Collection method: clinical testing. Allele origin: germline.
Comment: The p.Q658R variant (also known as c.1973A>G), located in coding exon 15 of the POLD1 gene, results from an A to G substitution at nucleotide position 1973. The glutamine at codon 658 is replaced by arginine, an amino acid with highly similar properties. This amino acid position is conserved. In addition, this alteration is predicted to be tolerated by in silico analysis. Based on the available evidence, the clinical significance of this variant remains unclear.

Labcorp Genetics (formerly Invitae), Labcorp
Classification: Uncertain significance for POLD1-related polyposis and colorectal cancer syndrome. Last evaluated: 2025-04-25. Review status: criteria provided, single submitter. Criteria: Invitae Variant Classification Sherloc (09022015). Collection method: clinical testing. Allele origin: germline.
Comment: This sequence change replaces glutamine, which is neutral and polar, with arginine, which is basic and polar, at codon 658 of the POLD1 protein (p.Gln658Arg). This variant is not present in population databases (gnomAD no frequency). This variant has not been reported in the literature in individuals affected with POLD1-related conditions. ClinVar contains an entry for this variant (Variation ID: 1408520). Invitae Evidence Modeling of protein sequence and biophysical properties (such as structural, functional, and spatial information, amino acid conservation, physicochemical variation, residue mobility, and thermodynamic stability) indicates that this missense variant is not expected to disrupt POLD1 protein function with a negative predictive value of 80%. In summary, the available evidence is currently insufficient to determine the role of this variant in disease. Therefore, it has been classified as a Variant of Uncertain Significance.

NM_002691.4(POLD1):c.1973A>G (p.Gln658Arg)

Gene: POLD1 (DNA polymerase delta 1, catalytic subunit; plus strand). Cytogenetic location: 19q13.33.
Variant type: single nucleotide variant.
Coding change: c.1973A>G on transcript NM_002691.4 (MANE Select); coding-DNA position 1973, A replaced by G.
Protein change: p.Gln658Arg; replaces glutamine 658 with arginine.
Molecular consequence: missense variant. On other transcripts: non-coding transcript variant (1).
Genome position (GRCh38, 1-based): chr19:50,409,202, A>G. VCF-style: chr19-50409202-A-G. GRCh37 (hg19) VCF-style: chr19-50912459-A-G.
Other names: c.1973A>G, p.Gln658Arg (NM_001256849.1); c.2051A>G, p.Gln684Arg (NM_001308632.1); c.1973A>G (NM_002691.2); short protein forms Q684R, Q658R.
Identifiers: ClinVar variation 1408520 (VCV001408520.7), dbSNP rs2122377362, ClinGen allele CA406982350.